The following is an entry in ClinVar:

NM_001347721.2(DYRK1A):c.1520-74A>T

Gene: DYRK1A (dual specificity tyrosine phosphorylation regulated kinase 1A; plus strand). Cytogenetic location: 21q22.13.
Variant type: single nucleotide variant.
Coding change: c.1520-74A>T on transcript NM_001347721.2 (MANE Select); 74 bases into the intron before coding-DNA position 1520, A replaced by T.
Molecular consequence: intron variant.
Genome position (GRCh38, 1-based): chr21:37,506,025, A>T. VCF-style: chr21-37506025-A-T. GRCh37 (hg19) VCF-style: chr21-38878328-A-T.
Other names: NC_000021.8:g.38878328A>T; c.1547-74A>T (NM_001396.5, NM_101395.2); c.1520-74A>T (NM_001347722.2, NM_130436.2); c.1433-74A>T (NM_001347723.2); c.1546+436A>T (NM_130438.2).
Identifiers: ClinVar variation 677334 (VCV000677334.3), dbSNP rs73220418, ClinGen allele CA320465044.

ClinVar aggregate classification (germline): Likely benign. Review status: criteria provided, multiple submitters, no conflicts (2 of 4 stars). 2 submissions from 2 submitters: Likely benign (2). Last evaluated 2018-06-19.

Allele frequency attached by ClinVar (database versions not stated): 1000 Genomes Project 30x 0.00375; 1000 Genomes Project 0.00379; TOPMed 0.00562; gnomAD 0.00668 and 0.00744; gnomAD exomes 0.00744.
gnomAD v4.1: 11,200 of 1,507,320 alleles (0.74%); highest among the groups gnomAD compares: Non-Finnish European, 0.79%; 80 homozygotes.

Submissions (4):

GeneDx
Classification: Likely benign. Last evaluated: 2018-06-19. Review status: criteria provided, single submitter. Criteria: GeneDx Variant Classification (06012015). Collection method: clinical testing. Allele origin: germline. Affected: yes.
Comment: This variant is considered likely benign or benign based on one or more of the following criteria: it is a conservative change, it occurs at a poorly conserved position in the protein, it is predicted to be benign by multiple in silico algorithms, and/or has population frequency not consistent with disease.

Breakthrough Genomics
Classification: Likely benign. Review status: criteria provided, single submitter. Criteria: ACMG Guidelines, 2015. Collection method: not provided. Allele origin: germline. Inheritance: Autosomal dominant inheritance. Affected: yes.

Dr. Peter K. Rogan Lab, Western University
No classification provided (evidence only). Condition: Cervical cancer. Review status: no classification provided. Collection method: in vitro. Allele origin: not applicable. Functional consequence: retained intron. Not counted in ClinVar's aggregate classification.

Dr. Peter K. Rogan Lab, Western University
No classification provided (evidence only). Condition: Uterine carcinosarcoma. Review status: no classification provided. Collection method: in vitro. Allele origin: not applicable. Functional consequence: retained intron. Not counted in ClinVar's aggregate classification.